The following is an entry in ClinVar:

ClinVar aggregate classification (germline): Likely benign. Review status: criteria provided, multiple submitters, no conflicts (2 of 4 stars). 6 submissions from 6 submitters: Likely benign (5). 1 of the submissions does not count toward it. Last evaluated 2025-10-27.

Conditions:
CHD7-related disorder. Also called: CHD7-related condition.
CHARGE syndrome (CHARGE). Also called: Hittner Hirsch Kreh syndrome; CHARGE ASSOCIATION--COLOBOMA, HEART ANOMALY, CHOANAL ATRESIA, RETARDATION, GENITAL AND EAR ANOMALIES; Coloboma, heart anomaly, choanal atresia, retardation, genital and ear anomalies; CHARGE association; Hall-Hittner syndrome. Identifiers: Orphanet 138, MedGen C0265354, MONDO:0008965.
Inborn genetic diseases. Identifiers: MedGen C0950123, MeSH D030342.

Allele frequency attached by ClinVar (database versions not stated): ExAC 0.00003; gnomAD exomes 0.00003 and 0.00004; ESP Exome Variant Server 0.00008; TOPMed 0.00009; gnomAD 0.00011 and 0.00013.
gnomAD v4.1: 77 of 1,611,460 alleles (0.0048%); highest among the groups gnomAD compares: Middle Eastern, 0.033%; no homozygotes.

Submissions (6):

Labcorp Genetics (formerly Invitae), Labcorp
Classification: Likely benign for CHARGE syndrome. Last evaluated: 2025-10-27. Review status: criteria provided, single submitter. Criteria: Invitae Variant Classification Sherloc (09022015). Collection method: clinical testing. Allele origin: germline.

Ambry Genetics
Classification: Likely benign for Inborn genetic diseases. Last evaluated: 2025-08-24. Review status: criteria provided, single submitter. Criteria: Ambry Variant Classification Scheme 2023. Collection method: clinical testing. Allele origin: germline.

Blueprint Genetics
Classification: Likely benign. Last evaluated: 2024-07-31. Review status: criteria provided, single submitter. Criteria: ACMG Guidelines, 2015. Collection method: clinical testing. Allele origin: germline.

CeGaT Center for Human Genetics Tuebingen
Classification: Likely benign. Last evaluated: 2023-07-01. Review status: criteria provided, single submitter. Criteria: CeGaT Center For Human Genetics Tuebingen Variant Classification Criteria Version 2. Collection method: clinical testing. Allele origin: germline. Affected: yes. Observed: 1 variant allele.
Comment: CHD7: BP4, BP7

Laboratory for Molecular Medicine, Mass General Brigham Personalized Medicine
Classification: Likely benign. Last evaluated: 2017-08-23. Review status: criteria provided, single submitter. Criteria: LMM Criteria. Collection method: clinical testing. Allele origin: germline. Observed: 1 variant allele.
Comment: p.Ala2732Ala in exon 38 of CHD7: This variant is not expected to have clinical significance because it does not alter an amino acid residue and is not located within the splice consensus sequence. It has been identified in 0.01% (3/50860) of European chromosomes by the Exome Aggregation Consortium (ExAC; dbSNP rs375800664).

PreventionGenetics, part of Exact Sciences
Classification: Likely benign for CHD7-related condition. Last evaluated: 2024-07-10. Review status: no assertion criteria provided. Collection method: clinical testing. Allele origin: germline. Not counted in ClinVar's aggregate classification.
Comment: This variant is classified as likely benign based on ACMG/AMP sequence variant interpretation guidelines (Richards et al. 2015 PMID: 25741868, with internal and published modifications).

NM_017780.4(CHD7):c.8196C>T (p.Ala2732=)

Gene: CHD7 (chromodomain helicase DNA binding protein 7; plus strand). Cytogenetic location: 8q12.2.
Variant type: single nucleotide variant.
Coding change: c.8196C>T on transcript NM_017780.4 (MANE Select); coding-DNA position 8196, C replaced by T.
Protein change: p.Ala2732=; no amino-acid change (alanine 2732 retained).
Molecular consequence: synonymous variant.
Genome position (GRCh38, 1-based): chr8:60,865,135, C>T. VCF-style: chr8-60865135-C-T. GRCh37 (hg19) VCF-style: chr8-61777694-C-T.
Other names: c.2049C>T, p.Ala683= (NM_001316690.1).
Identifiers: ClinVar variation 701446 (VCV000701446.40), dbSNP rs375800664, ClinGen allele CA4760966.